The following is an entry in ClinVar:

ClinVar aggregate classification (germline): Conflicting classifications of pathogenicity. Review status: criteria provided, conflicting classifications (1 of 4 stars). 4 submissions from 4 submitters: Uncertain significance (2); Likely benign (1). 1 of the submissions does not count toward it. Last evaluated 2026-01-27.

Conditions:
Bloom syndrome (BLM). Also called: Bloom-Torre-Machacek syndrome. Identifiers: Orphanet 125, MedGen C0005859, MONDO:0008876, OMIM 210900.
Hereditary cancer-predisposing syndrome. Also called: Neoplastic Syndromes, Hereditary; Hereditary neoplastic syndrome; Tumor predisposition; Hereditary Cancer Syndrome. Identifiers: Orphanet 140162, MedGen C0027672, MeSH D009386, MONDO:0015356.

Allele frequency attached by ClinVar (database versions not stated): gnomAD 0.00001; ExAC 0.00002; gnomAD exomes 0.00002; TOPMed 0.00002.
gnomAD v4.1: 23 of 1,612,826 alleles (0.0014%); highest among the groups gnomAD compares: Admixed American, 0.0017%; no homozygotes.

Submissions (4):

Labcorp Genetics (formerly Invitae), Labcorp
Classification: Uncertain significance for Bloom syndrome. Last evaluated: 2026-01-27. Review status: criteria provided, single submitter. Criteria: Invitae Variant Classification Sherloc (09022015). Collection method: clinical testing. Allele origin: germline.
Comment: This sequence change replaces serine, which is neutral and polar, with phenylalanine, which is neutral and non-polar, at codon 212 of the BLM protein (p.Ser212Phe). This variant is present in population databases (rs777938065, gnomAD 0.003%). This missense change has been observed in individual(s) with breast cancer (PMID: 23028338). ClinVar contains an entry for this variant (Variation ID: 524788). An algorithm developed to predict the effect of missense changes on protein structure and function outputs the following: PolyPhen-2: "Benign". The phenylalanine amino acid residue is found in multiple mammalian species, which suggests that this missense change does not adversely affect protein function. In summary, the available evidence is currently insufficient to determine the role of this variant in disease. Therefore, it has been classified as a Variant of Uncertain Significance.

Ambry Genetics
Classification: Likely benign for Hereditary cancer-predisposing syndrome. Last evaluated: 2021-04-28. Review status: criteria provided, single submitter. Criteria: Ambry Variant Classification Scheme 2023. Collection method: clinical testing. Allele origin: germline.

Mendelics
Classification: Uncertain significance for Bloom syndrome. Last evaluated: 2019-05-28. Review status: criteria provided, single submitter. Criteria: Mendelics Assertion Criteria 2017. Collection method: clinical testing. Allele origin: unknown.

Natera, Inc.
Classification: Uncertain significance for Bloom syndrome. Last evaluated: 2018-05-17. Review status: no assertion criteria provided. Collection method: clinical testing. Allele origin: germline. Not counted in ClinVar's aggregate classification.

Literature cited by the submitters: PubMed 23028338 (cited by Labcorp Genetics (formerly Invitae), Labcorp and Ambry Genetics).

NM_000057.4(BLM):c.635C>T (p.Ser212Phe)

Gene: BLM (BLM RecQ like helicase; plus strand). Cytogenetic location: 15q26.1.
Variant type: single nucleotide variant.
Coding change: c.635C>T on transcript NM_000057.4 (MANE Select); coding-DNA position 635, C replaced by T.
Protein change: p.Ser212Phe; replaces serine 212 with phenylalanine.
Molecular consequence: missense variant. On other transcripts: 5 prime UTR variant (1).
Genome position (GRCh38, 1-based): chr15:90,749,903, C>T. VCF-style: chr15-90749903-C-T. GRCh37 (hg19) VCF-style: chr15-91293133-C-T.
Other names: c.635C>T, p.Ser212Phe (NM_001287246.2, NM_001287247.2); c.-657C>T (NM_001287248.2); short protein forms S212F.
Identifiers: ClinVar variation 524788 (VCV000524788.18), dbSNP rs777938065, ClinGen allele CA7738318.